The following is an entry in ClinVar:

NM_001164665.2(KIAA1549):c.4058T>C (p.Phe1353Ser)

Gene: KIAA1549 (KIAA1549; minus strand). Cytogenetic location: 7q34.
Variant type: single nucleotide variant.
Coding change: c.4058T>C on transcript NM_001164665.2 (MANE Select); coding-DNA position 4058, T replaced by C.
Protein change: p.Phe1353Ser; replaces phenylalanine 1353 with serine.
Molecular consequence: missense variant.
Genome position (GRCh38, 1-based): chr7:138,881,559, A>G on the plus strand (T>C on the coding strand, the complement: KIAA1549 is on the minus strand). VCF-style: chr7-138881559-A-G. GRCh37 (hg19) VCF-style: chr7-138566305-A-G.
Other names: c.4058T>C, p.Phe1353Ser (NM_020910.3); short protein forms F1353S.
Identifiers: ClinVar variation 2057425 (VCV002057425.4), dbSNP rs2485499835, ClinGen allele CA369377827.

ClinVar aggregate classification (germline): Uncertain significance (1 of 4 stars; one submission).

Submission:

Labcorp Genetics (formerly Invitae), Labcorp
Classification: Uncertain significance. Last evaluated: 2022-07-12. Review status: criteria provided, single submitter. Criteria: Invitae Variant Classification Sherloc (09022015). Collection method: clinical testing. Allele origin: germline.
Comment: Algorithms developed to predict the effect of missense changes on protein structure and function (SIFT, PolyPhen-2, Align-GVGD) all suggest that this variant is likely to be disruptive. In summary, the available evidence is currently insufficient to determine the role of this variant in disease. Therefore, it has been classified as a Variant of Uncertain Significance. This sequence change replaces phenylalanine, which is neutral and non-polar, with serine, which is neutral and polar, at codon 1353 of the KIAA1549 protein (p.Phe1353Ser). This variant is not present in population databases (gnomAD no frequency). This variant has not been reported in the literature in individuals affected with KIAA1549-related conditions.